The following is an entry in ClinVar:

NM_020738.4(KIDINS220):c.1572del (p.Gly525fs)

Gene: KIDINS220 (kinase D interacting substrate 220; minus strand). Cytogenetic location: 2p25.1.
Variant type: Deletion.
Coding change: c.1572del on transcript NM_020738.4 (MANE Select); coding-DNA position 1572, one base deleted (T; older notation c.1572delT).
Protein change: p.Gly525fs; shifts the reading frame from glycine 525.
Molecular consequence: frameshift variant. On other transcripts: non-coding transcript variant (2).
Genome position (GRCh38, 1-based): chr2:8,789,929, A deleted on the plus strand (T on the coding strand, the reverse complement: KIDINS220 is on the minus strand); the first of 2 consecutive A bases (chr2:8,789,929-8,789,930); deleting either gives the same sequence. VCF-style (leftmost placement, unchanged base first): chr2-8789928-CA-C. GRCh37 (hg19) VCF-style: chr2-8930058-CA-C.
Other names: c.1575del, p.Gly526fs (NM_001348729.2, NM_001348731.2, NM_001348734.2 and 3 more transcripts); c.1572del, p.Gly525fs (NM_001348732.2, NM_001348735.2, NM_001348738.2 and 3 more transcripts); c.1446del, p.Gly483fs (NM_001348736.2); short protein forms G483fs, G526fs, G525fs.
Identifiers: ClinVar variation 4993910 (VCV004993910.1).

ClinVar aggregate classification (germline): Likely pathogenic (1 of 4 stars; one submission).

Conditions:
KIDINS220-related disorder. Also called: KIDINS220-related condition.

Submission:

PreventionGenetics, part of Exact Sciences
Classification: Likely pathogenic for KIDINS220-related condition. Last evaluated: 2026-09-18. Review status: criteria provided, single submitter. Criteria: ACMG Guidelines, 2015. Collection method: clinical testing. Allele origin: germline.
Comment: The KIDINS220 c.1572delT variant is predicted to result in a frameshift and premature protein termination (p.Gly525Glufs*2). To our knowledge, this variant has not been reported in the literature or in a large population database (gnomAD), indicating this variant is rare. Frameshift variants in KIDINS220 are expected to be pathogenic. This variant is interpreted as likely pathogenic. However, this variant is located in exon 14 of 30, and therefore is expected to be pathogenic only for autosomal recessive KIDINS220 associated disorders.